The following is an entry in ClinVar:

NM_032436.4(CHAMP1):c.1918_1919del (p.Asp640fs)

Gene: CHAMP1 (chromosome alignment maintaining phosphoprotein 1; plus strand). Cytogenetic location: 13q34.
Variant type: Deletion.
Coding change: c.1918_1919del on transcript NM_032436.4 (MANE Select); coding-DNA positions 1918 to 1919, 2 bases deleted (GA; older notation c.1918_1919delGA).
Protein change: p.Asp640fs; shifts the reading frame from aspartic acid 640.
Molecular consequence: frameshift variant.
Genome position (GRCh38, 1-based): chr13:114,325,760-114,325,761, GA deleted; deleting any 2 consecutive bases within chr13:114,325,759-114,325,761 gives the same sequence; the c. name uses the placement nearest the transcript's 3' end. VCF-style (leftmost placement, unchanged base first): chr13-114325758-CAG-C. GRCh37 (hg19) VCF-style: chr13-115091233-CAG-C.
Other names: c.1918_1919del, p.Asp640fs (NM_001164144.3, NM_001164145.3); short protein forms D640fs.
Identifiers: ClinVar variation 2430307 (VCV002430307.2), dbSNP rs2503203991, ClinGen allele CA2580087260.

ClinVar aggregate classification (germline): Pathogenic (1 of 4 stars; one submission).

Submission:

Centre of Medical Genetics, University Hospital Muenster
Classification: Pathogenic. Last evaluated: 2022-10-25. Review status: criteria provided, single submitter. Criteria: ACMG Guidelines, 2015. Collection method: clinical testing. Allele origin: de novo. Affected: yes. Observed: 1 variant allele, 1 heterozygote.
Comment: ACMG categories: PVS1,PS2,PM2